The following is an entry in ClinVar:

NM_001206927.2(DNAH8):c.9412A>C (p.Lys3138Gln)

Genes: DNAH8 (dynein axonemal heavy chain 8; plus strand), DNAH8-AS1 (DNAH8 antisense RNA 1; minus strand). Cytogenetic location: 6p21.2.
Variant type: single nucleotide variant.
Coding change: c.9412A>C on transcript NM_001206927.2 (MANE Select); coding-DNA position 9412, A replaced by C.
Protein change: p.Lys3138Gln; replaces lysine 3138 with glutamine.
Molecular consequence: missense variant.
Genome position (GRCh38, 1-based): chr6:38,908,019, A>C. VCF-style: chr6-38908019-A-C. GRCh37 (hg19) VCF-style: chr6-38875795-A-C.
Other names: c.8761A>C, p.Lys2921Gln (NM_001371.4); short protein forms K2921Q, K3138Q.
Identifiers: ClinVar variation 3647591 (VCV003647591.2).

ClinVar aggregate classification (germline): Uncertain significance (1 of 4 stars; one submission).

Conditions:
Primary ciliary dyskinesia. Also called: Ciliary dyskinesia. Identifiers: Orphanet 244, MedGen C0008780, MONDO:0016575, HP:0012265.

Submission:

Labcorp Genetics (formerly Invitae), Labcorp
Classification: Uncertain significance for Primary ciliary dyskinesia. Last evaluated: 2024-03-25. Review status: criteria provided, single submitter. Criteria: Invitae Variant Classification Sherloc (09022015). Collection method: clinical testing. Allele origin: germline.
Comment: This sequence change replaces lysine, which is basic and polar, with glutamine, which is neutral and polar, at codon 3138 of the DNAH8 protein (p.Lys3138Gln). This variant is not present in population databases (gnomAD no frequency). This variant has not been reported in the literature in individuals affected with DNAH8-related conditions. Advanced modeling of protein sequence and biophysical properties (such as structural, functional, and spatial information, amino acid conservation, physicochemical variation, residue mobility, and thermodynamic stability) performed at Invitae indicates that this missense variant is expected to disrupt DNAH8 protein function with a positive predictive value of 80%. In summary, the available evidence is currently insufficient to determine the role of this variant in disease. Therefore, it has been classified as a Variant of Uncertain Significance.